The following is an entry in ClinVar:

ClinVar aggregate classification (germline): Benign/Likely benign. Review status: criteria provided, multiple submitters, no conflicts (2 of 4 stars). 5 submissions from 5 submitters: Benign (2); Likely benign (3). Last evaluated 2026-02-02.

Conditions:
Osteogenesis imperfecta type 13. Also called: Osteogenesis imperfecta, type xiii; OI, TYPE XIII. Identifiers: Orphanet 666, MedGen C3553887, MONDO:0013924, OMIM 614856.

Allele frequency attached by ClinVar (database versions not stated): 1000 Genomes Project 0.00160; 1000 Genomes Project 30x 0.00187; ExAC 0.00504; gnomAD 0.00539 and 0.00555; TOPMed 0.00574; ESP Exome Variant Server 0.00630.
gnomAD v4.1: 12,109 of 1,614,006 alleles (0.75%); highest among the groups gnomAD compares: Non-Finnish European, 0.94%; 65 homozygotes.

Submissions (5):

Labcorp Genetics (formerly Invitae), Labcorp
Classification: Benign. Last evaluated: 2026-02-02. Review status: criteria provided, single submitter. Criteria: Invitae Variant Classification Sherloc (09022015). Collection method: clinical testing. Allele origin: germline.

ARUP Laboratories, Molecular Genetics and Genomics, ARUP Laboratories
Classification: Likely benign for Osteogenesis imperfecta type 13. Last evaluated: 2023-02-15. Review status: criteria provided, single submitter. Criteria: ARUP Molecular Germline Variant Investigation Process 2024. Collection method: clinical testing. Allele origin: germline.

GeneDx
Classification: Benign. Last evaluated: 2017-11-15. Review status: criteria provided, single submitter. Criteria: GeneDx Variant Classification (06012015). Collection method: clinical testing. Allele origin: germline. Affected: yes.
Comment: This variant is considered likely benign or benign based on one or more of the following criteria: it is a conservative change, it occurs at a poorly conserved position in the protein, it is predicted to be benign by multiple in silico algorithms, and/or has population frequency not consistent with disease.

Center for Pediatric Genomic Medicine, Children's Mercy Hospital and Clinics
Classification: Likely benign. Last evaluated: 2017-08-16. Review status: criteria provided, single submitter. Criteria: ACMG Guidelines, 2015. Collection method: clinical testing. Allele origin: germline.

Breakthrough Genomics
Classification: Likely benign. Review status: criteria provided, single submitter. Criteria: ACMG Guidelines, 2015. Collection method: not provided. Allele origin: germline. Inheritance: Autosomal recessive inheritance. Affected: yes.

NM_006129.5(BMP1):c.2234-20C>T

Gene: BMP1 (bone morphogenetic protein 1; plus strand). Cytogenetic location: 8p21.3.
Variant type: single nucleotide variant.
Coding change: c.2234-20C>T on transcript NM_006129.5 (MANE Select); 20 bases into the intron before coding-DNA position 2234, C replaced by T.
Molecular consequence: intron variant.
Genome position (GRCh38, 1-based): chr8:22,206,834, C>T. VCF-style: chr8-22206834-C-T. GRCh37 (hg19) VCF-style: chr8-22064347-C-T.
Identifiers: ClinVar variation 445850 (VCV000445850.12), dbSNP rs142089697, ClinGen allele CA4665175.